The following is an entry in ClinVar:

ClinVar aggregate classification (germline): Uncertain significance (1 of 4 stars; one submission).

Submission:

Labcorp Genetics (formerly Invitae), Labcorp
Classification: Uncertain significance. Last evaluated: 2025-12-24. Review status: criteria provided, single submitter. Criteria: Invitae Variant Classification Sherloc (09022015). Collection method: clinical testing. Allele origin: germline.
Comment: This sequence change replaces glutamic acid, which is acidic and polar, with glycine, which is neutral and non-polar, at codon 572 of the MBD4 protein (p.Glu572Gly). This variant is not present in population databases (gnomAD no frequency). This variant has not been reported in the literature in individuals affected with MBD4-related conditions. ClinVar contains an entry for this variant (Variation ID: 3653442). An algorithm developed to predict the effect of missense changes on protein structure and function (PolyPhen-2) suggests that this variant is likely to be disruptive. In summary, the available evidence is currently insufficient to determine the role of this variant in disease. Therefore, it has been classified as a Variant of Uncertain Significance.

NM_001276270.2(MBD4):c.1697A>G (p.Glu566Gly)

Gene: MBD4 (methyl-CpG binding domain 4, DNA glycosylase; minus strand). Cytogenetic location: 3q21.3.
Variant type: single nucleotide variant.
Coding change: c.1697A>G on transcript NM_001276270.2 (MANE Select); coding-DNA position 1697, A replaced by G.
Protein change: p.Glu566Gly; replaces glutamic acid 566 with glycine.
Molecular consequence: missense variant. On other transcripts: 3 prime UTR variant (1).
Genome position (GRCh38, 1-based): chr3:129,431,529, T>C on the plus strand (A>G on the coding strand, the complement: MBD4 is on the minus strand). VCF-style: chr3-129431529-T-C. GRCh37 (hg19) VCF-style: chr3-129150372-T-C.
Other names: c.*39A>G (NM_001276272.2); c.761A>G, p.Glu254Gly (NM_001276273.2); c.1715A>G, p.Glu572Gly (NM_003925.3); short protein forms E566G, E254G, E572G.
Identifiers: ClinVar variation 3653442 (VCV003653442.2).